The following is an entry in ClinVar:

NM_006118.4(HAX1):c.125G>A (p.Gly42Asp)

Gene: HAX1 (HCLS1 associated protein X-1; plus strand). Cytogenetic location: 1q21.3.
Variant type: single nucleotide variant.
Coding change: c.125G>A on transcript NM_006118.4 (MANE Select); coding-DNA position 125, G replaced by A.
Protein change: p.Gly42Asp; replaces glycine 42 with aspartic acid.
Molecular consequence: missense variant. On other transcripts: intron variant (1).
Genome position (GRCh38, 1-based): chr1:154,273,407, G>A. VCF-style: chr1-154273407-G-A. GRCh37 (hg19) VCF-style: chr1-154245883-G-A.
Other names: c.54-73G>A (NM_001018837.2); short protein forms G42D.
Identifiers: ClinVar variation 969075 (VCV000969075.13), dbSNP rs1001600867, ClinGen allele CA342591345.

ClinVar aggregate classification (germline): Uncertain significance. Review status: criteria provided, multiple submitters, no conflicts (2 of 4 stars). 3 submissions from 3 submitters: Uncertain significance (2). 1 of the submissions does not count toward it. Last evaluated 2025-10-19.

Conditions:
Inborn genetic diseases. Identifiers: MedGen C0950123, MeSH D030342.
Kostmann syndrome (SCN3). Also called: KOSTMANN DISEASE; Autosomal recessive severe congenital neutropenia type 3. Identifiers: Orphanet 99749, MedGen C5235141, MONDO:0012548, OMIM 610738.

Submissions (3):

Ambry Genetics
Classification: Uncertain significance for Inborn genetic diseases. Last evaluated: 2025-10-19. Review status: criteria provided, single submitter. Criteria: Ambry Variant Classification Scheme 2023. Collection method: clinical testing. Allele origin: germline.
Comment: The p.G42D variant (also known as c.125G>A), located in coding exon 2 of the HAX1 gene, results from a G to A substitution at nucleotide position 125. The glycine at codon 42 is replaced by aspartic acid, an amino acid with similar properties. This amino acid position is conserved. In addition, this alteration is predicted to be tolerated by in silico analysis. Based on the available evidence, the clinical significance of this variant remains unclear.

Labcorp Genetics (formerly Invitae), Labcorp
Classification: Uncertain significance for Kostmann syndrome. Last evaluated: 2019-10-14. Review status: criteria provided, single submitter. Criteria: Invitae Variant Classification Sherloc (09022015). Collection method: clinical testing. Allele origin: germline.
Comment: Algorithms developed to predict the effect of missense changes on protein structure and function (SIFT, PolyPhen-2, Align-GVGD) all suggest that this variant is likely to be tolerated, but these predictions have not been confirmed by published functional studies and their clinical significance is uncertain. In summary, the available evidence is currently insufficient to determine the role of this variant in disease. Therefore, it has been classified as a Variant of Uncertain Significance. This variant has not been reported in the literature in individuals with HAX1-related conditions. This variant is not present in population databases (ExAC no frequency). This sequence change replaces glycine with aspartic acid at codon 42 of the HAX1 protein (p.Gly42Asp). The glycine residue is moderately conserved and there is a moderate physicochemical difference between glycine and aspartic acid.

Natera, Inc.
Classification: Uncertain significance for Autosomal recessive severe congenital neutropenia type 3. Last evaluated: 2021-09-15. Review status: no assertion criteria provided. Collection method: clinical testing. Allele origin: germline. Not counted in ClinVar's aggregate classification.